The following is an entry in ClinVar:

ClinVar aggregate classification (germline): Uncertain significance (1 of 4 stars; one submission).

Conditions:
Pitt-Hopkins-like syndrome 2 (PTHSL2). Identifiers: Orphanet 221150, Orphanet 600663, MedGen C3280479, MONDO:0013690, OMIM 614325.

Submission:

Labcorp Genetics (formerly Invitae), Labcorp
Classification: Uncertain significance for Pitt-Hopkins-like syndrome 2. Last evaluated: 2023-12-04. Review status: criteria provided, single submitter. Criteria: Invitae Variant Classification Sherloc (09022015). Collection method: clinical testing. Allele origin: germline.
Comment: This sequence change replaces leucine, which is neutral and non-polar, with valine, which is neutral and non-polar, at codon 495 of the NRXN1 protein (p.Leu495Val). This variant is not present in population databases (gnomAD no frequency). This variant has not been reported in the literature in individuals affected with NRXN1-related conditions. An algorithm developed to predict the effect of missense changes on protein structure and function (PolyPhen-2) suggests that this variant is likely to be disruptive. In summary, the available evidence is currently insufficient to determine the role of this variant in disease. Therefore, it has been classified as a Variant of Uncertain Significance.

NM_001330078.2(NRXN1):c.1363C>G (p.Leu455Val)

Gene: NRXN1 (neurexin 1; minus strand). Cytogenetic location: 2p16.3.
Variant type: single nucleotide variant.
Coding change: c.1363C>G on transcript NM_001330078.2 (MANE Select); coding-DNA position 1363, C replaced by G.
Protein change: p.Leu455Val; replaces leucine 455 with valine.
Molecular consequence: missense variant.
Genome position (GRCh38, 1-based): chr2:50,552,983, G>C on the plus strand (C>G on the coding strand, the complement: NRXN1 is on the minus strand). VCF-style: chr2-50552983-G-C. GRCh37 (hg19) VCF-style: chr2-50780121-G-C.
Other names: c.1483C>G, p.Leu495Val (NM_001135659.3); c.1339C>G, p.Leu447Val (NM_001330077.2, NM_001330082.2, NM_001330095.2); c.1324C>G, p.Leu442Val (NM_001330083.2, NM_001330084.2); c.1363C>G, p.Leu455Val (NM_001330085.2, NM_001330086.2, NM_004801.6); c.1279C>G, p.Leu427Val (NM_001330087.2, NM_001330096.2); c.1309C>G, p.Leu437Val (NM_001330088.2); c.1360C>G, p.Leu454Val (NM_001330093.2); c.1351C>G, p.Leu451Val (NM_001330094.2); short protein forms L442V, L454V, L495V, L437V, L455V, L427V, L447V, L451V.
Identifiers: ClinVar variation 2700862 (VCV002700862.3), dbSNP rs2465831203, ClinGen allele CA346774367.